The following is an entry in ClinVar:

NM_000368.5(TSC1):c.2065C>T (p.Arg689Cys)

Gene: TSC1 (TSC complex subunit 1; minus strand). Cytogenetic location: 9q34.13.
Variant type: single nucleotide variant.
Coding change: c.2065C>T on transcript NM_000368.5 (MANE Select); coding-DNA position 2065, C replaced by T.
Protein change: p.Arg689Cys; replaces arginine 689 with cysteine.
Molecular consequence: missense variant.
Genome position (GRCh38, 1-based): chr9:132,903,794, G>A on the plus strand (C>T on the coding strand, the complement: TSC1 is on the minus strand). VCF-style: chr9-132903794-G-A. GRCh37 (hg19) VCF-style: chr9-135779181-G-A.
Other names: c.2062C>T, p.Arg688Cys (NM_001162426.2); c.1912C>T, p.Arg638Cys (NM_001162427.2); c.1702C>T, p.Arg568Cys (NM_001362177.2); short protein forms R689C, R688C, R568C, R638C.
Identifiers: ClinVar variation 185109 (VCV000185109.44), dbSNP rs202241429, ClinGen allele CA005878.
Genomic context (GRCh38, chr9:132,903,794, plus strand): 5'-TCTTAAAACGCTCATAGAGTAACTGGTTGTGCAGTAAAAGCAACTGGTCTCGGAGGGTGC[G>A]GATCTCATCTGAAGGAGGAGAGCCTGATTGTAAAGCAGAGGGAGGGTGGCAGAAATGCCT-3'
Protein context (NP_000359.1, residues 679-699): FGGSPPSDEI[Arg689Cys]TLRDQLLLLH

ClinVar aggregate classification (germline): Conflicting classifications of pathogenicity. Review status: criteria provided, conflicting classifications (1 of 4 stars). 10 submissions from 10 submitters: Uncertain significance (4); Benign (1); Likely benign (5). Last evaluated 2026-01-13.

Conditions:
Hereditary cancer-predisposing syndrome. Also called: Tumor predisposition; Neoplastic Syndromes, Hereditary; Hereditary Cancer Syndrome; Hereditary neoplastic syndrome. Identifiers: Orphanet 140162, MedGen C0027672, MeSH D009386, MONDO:0015356.
Tuberous sclerosis syndrome (TSC). Also called: Tuberous Sclerosis Complex; Tuberous sclerosis. Identifiers: Orphanet 805, MedGen C0041341, MONDO:0001734.
Tuberous sclerosis 1 (TSC1). Identifiers: Orphanet 805, MedGen C1854465, MONDO:0008612, OMIM 191100.

Allele frequency attached by ClinVar (database versions not stated): gnomAD exomes 0.00001 and 0.00002; gnomAD 0.00002 and 0.00003; TOPMed 0.00002; ExAC 0.00003; 1000 Genomes Project 30x 0.00016; 1000 Genomes Project 0.00020.

Submissions (10):

Labcorp Genetics (formerly Invitae), Labcorp
Classification: Benign for Tuberous sclerosis 1. Last evaluated: 2026-01-13. Review status: criteria provided, single submitter. Criteria: Invitae Variant Classification Sherloc (09022015). Collection method: clinical testing. Allele origin: germline.

Ambry Genetics
Classification: Uncertain significance for Hereditary cancer-predisposing syndrome. Last evaluated: 2025-10-23. Review status: criteria provided, single submitter. Criteria: Ambry Variant Classification Scheme 2023. Collection method: clinical testing. Allele origin: germline.
Comment: The p.R689C variant (also known as c.2065C>T), located in coding exon 15 of the TSC1 gene, results from a C to T substitution at nucleotide position 2065. The arginine at codon 689 is replaced by cysteine, an amino acid with highly dissimilar properties. This amino acid position is highly conserved through the hedgehog, with histidine being the reference amino acid for lower vertebrates. In addition, this alteration is predicted to be tolerated by in silico analyses. Since supporting evidence is limited at this time, the clinical significance of this alteration remains unclear.

Dasa
Classification: Uncertain significance. Last evaluated: 2025-06-13. Review status: criteria provided, single submitter. Criteria: DASA Assertion Criteria. Collection method: clinical testing. Allele origin: germline.
Comment: NM_000368.5(TSC1):c.2065C>T (p.Arg689Cys) is a missense variant that results in the substitution of arginine with cysteine. This variant is rare in population databases. Computational prediction algorithms are consistent with a benign effect. The currently available literature and clinical evidence are not sufficient to establish a definitive association between this variant and the reported condition. Therefore, this variant is classified as a variant of uncertain significance.

CeGaT Center for Human Genetics Tuebingen
Classification: Likely benign. Last evaluated: 2024-07-01. Review status: criteria provided, single submitter. Criteria: CeGaT Center For Human Genetics Tuebingen Variant Classification Criteria Version 2. Collection method: clinical testing. Allele origin: germline. Affected: yes. Observed: 1 variant allele.
Comment: TSC1: BP1, BP4

Blueprint Genetics
Classification: Likely benign. Last evaluated: 2023-01-18. Review status: criteria provided, single submitter. Criteria: ACMG Guidelines, 2015. Collection method: clinical testing. Allele origin: germline.

Color Diagnostics, LLC DBA Color Health
Classification: Likely benign for Tuberous sclerosis syndrome. Last evaluated: 2023-01-15. Review status: criteria provided, single submitter. Criteria: ACMG Guidelines, 2015. Collection method: clinical testing. Allele origin: germline.

MGZ Medical Genetics Center
Classification: Uncertain significance for Tuberous sclerosis 1. Last evaluated: 2022-02-16. Review status: criteria provided, single submitter. Criteria: ACMG Guidelines, 2015. Collection method: clinical testing. Allele origin: germline. Affected: yes. Observed: 1 variant allele.
Comment: ACMG criteria applied: PM2_SUP, BP4

Genome-Nilou Lab
Classification: Likely benign for Tuberous sclerosis 1. Last evaluated: 2021-11-07. Review status: criteria provided, single submitter. Criteria: ACMG Guidelines, 2015. Collection method: clinical testing. Allele origin: germline. Affected: no.

GeneDx
Classification: Likely benign. Last evaluated: 2020-04-01. Review status: criteria provided, single submitter. Criteria: GeneDx Variant Classification Process June 2021. Collection method: clinical testing. Allele origin: germline. Affected: yes.

Athena Diagnostics
Classification: Uncertain significance. Last evaluated: 2017-08-11. Review status: criteria provided, single submitter. Criteria: Athena Diagnostics Criteria. Collection method: clinical testing. Allele origin: germline.